The following is an entry in ClinVar:

NM_004415.4(DSP):c.2986G>T (p.Ala996Ser)

Gene: DSP (desmoplakin; plus strand). Cytogenetic location: 6p24.3.
Variant type: single nucleotide variant.
Coding change: c.2986G>T on transcript NM_004415.4 (MANE Select); coding-DNA position 2986, G replaced by T.
Protein change: p.Ala996Ser; replaces alanine 996 with serine.
Molecular consequence: missense variant.
Genome position (GRCh38, 1-based): chr6:7,578,464, G>T. VCF-style: chr6-7578464-G-T. GRCh37 (hg19) VCF-style: chr6-7578697-G-T.
Other names: c.2986G>T, p.Ala996Ser (NM_001008844.3, NM_001319034.2); short protein forms A996S.
Identifiers: ClinVar variation 923747 (VCV000923747.11), dbSNP rs1254054471, ClinGen allele CA362682590.

ClinVar aggregate classification (germline): Uncertain significance. Review status: criteria provided, multiple submitters, no conflicts (2 of 4 stars). 2 submissions from 2 submitters: Uncertain significance (2). Last evaluated 2024-11-15.

Conditions:
Arrhythmogenic right ventricular dysplasia 8 (ARVD8). Also called: Arrhythmogenic Right Ventricular Dysplasia/Cardiomyopathy 8; ARRHYTHMOGENIC RIGHT VENTRICULAR DYSPLASIA, FAMILIAL, 8; ARRHYTHMOGENIC RIGHT VENTRICULAR CARDIOMYOPATHY 8. Identifiers: MedGen C1843896, MONDO:0011831, OMIM 607450.
Arrhythmogenic cardiomyopathy with wooly hair and keratoderma. Also called: PALMOPLANTAR KERATODERMA WITH LEFT VENTRICULAR CARDIOMYOPATHY AND WOOLLY HAIR; Carvajal syndrome; Dilated cardiomyopathy with woolly hair and keratoderma; Arrhythmogenic cardiomyopathy with woolly hair and keratoderma. Identifiers: Orphanet 65282, MedGen C1854063, MONDO:0011581, OMIM 605676.
Cardiomyopathy (CMYO). Also called: Cardiomyopathies. Identifiers: Orphanet 167848, MedGen C0878544, MONDO:0004994, HP:0001638. Inheritance: Various modes of inheritance.

Allele frequency attached by ClinVar (database versions not stated): gnomAD exomes below 0.00001.
gnomAD v4.1: 1 of 1,612,414 alleles (0.000062%); highest among the groups gnomAD compares: Non-Finnish European, 0.000085%; no homozygotes.

Submissions (2):

Labcorp Genetics (formerly Invitae), Labcorp
Classification: Uncertain significance for Arrhythmogenic cardiomyopathy with wooly hair and keratoderma; Arrhythmogenic right ventricular dysplasia 8. Last evaluated: 2024-11-15. Review status: criteria provided, single submitter. Criteria: Invitae Variant Classification Sherloc (09022015). Collection method: clinical testing. Allele origin: germline.
Comment: This sequence change replaces alanine, which is neutral and non-polar, with serine, which is neutral and polar, at codon 996 of the DSP protein (p.Ala996Ser). This variant is present in population databases (no rsID available, gnomAD 0.0009%). This variant has not been reported in the literature in individuals affected with DSP-related conditions. ClinVar contains an entry for this variant (Variation ID: 923747). An algorithm developed to predict the effect of missense changes on protein structure and function (PolyPhen-2) suggests that this variant is likely to be disruptive. In summary, the available evidence is currently insufficient to determine the role of this variant in disease. Therefore, it has been classified as a Variant of Uncertain Significance.

Color Diagnostics, LLC DBA Color Health
Classification: Uncertain significance for Cardiomyopathy. Last evaluated: 2019-10-28. Review status: criteria provided, single submitter. Criteria: ACMG Guidelines, 2015. Collection method: clinical testing. Allele origin: germline.
Comment: This missense variant replaces alanine with serine at codon 996 of the DSP protein. Computational prediction suggests that this variant may not impact protein structure and function (internally defined REVEL score threshold <= 0.5, PMID: 27666373). Splice site prediction tools suggest that this variant may not impact RNA splicing. To our knowledge, functional studies have not been performed for this variant. This variant has not been reported in individuals affected with cardiovascular disorders in the literature. This variant has been identified in 1/251178 chromosomes in the general population by the Genome Aggregation Database (gnomAD). The available evidence is insufficient to determine the role of this variant in disease conclusively. Therefore, this variant is classified as a Variant of Uncertain Significance.